The following is an entry in ClinVar:

ClinVar aggregate classification (germline): Benign. Review status: criteria provided, single submitter (1 of 4 stars). 2 submissions from 2 submitters: Benign (1). 1 of the submissions does not count toward it. Last evaluated 2025-04-28.

Conditions:
TMEM126B-related disorder. Also called: TMEM126B-related condition.

Submissions (2):

Labcorp Genetics (formerly Invitae), Labcorp
Classification: Benign. Last evaluated: 2025-04-28. Review status: criteria provided, single submitter. Criteria: Invitae Variant Classification Sherloc (09022015). Collection method: clinical testing. Allele origin: germline.

PreventionGenetics, part of Exact Sciences
Classification: Likely benign for TMEM126B-related condition. Last evaluated: 2019-09-25. Review status: no assertion criteria provided. Collection method: clinical testing. Allele origin: germline. Not counted in ClinVar's aggregate classification.
Comment: This variant is classified as likely benign based on ACMG/AMP sequence variant interpretation guidelines (Richards et al. 2015 PMID: 25741868, with internal and published modifications).

NM_018480.7(TMEM126B):c.82-5del

Gene: TMEM126B (transmembrane protein 126B; plus strand). Cytogenetic location: 11q14.1.
Variant type: Deletion.
Coding change: c.82-5del on transcript NM_018480.7 (MANE Select); 5 bases into the intron before coding-DNA position 82, one base deleted (T; older notation c.82-5delT).
Molecular consequence: intron variant.
Genome position (GRCh38, 1-based): chr11:85,631,682, T deleted; the last of 9 consecutive T bases (chr11:85,631,674-85,631,682); deleting any one gives the same sequence. VCF-style (leftmost placement, unchanged base first): chr11-85631673-AT-A. GRCh37 (hg19) VCF-style: chr11-85342717-AT-A.
Other names: c.82-5delT (NM_018480.4); c.22-5del (NM_001193537.3, NM_001350395.2); c.-9-5del (NM_001256546.2, NM_001193538.3, NM_001350396.2); c.66-2404del (NM_001256547.2); c.82-2404del (NM_001350393.1); c.82-5del (NM_001350394.2).
Identifiers: ClinVar variation 2957668 (VCV002957668.5), dbSNP rs753047056, ClinGen allele CA6212359.
Genomic context (GRCh38, chr11:85,631,673, plus strand): 5'-TCTGTAGAATTCTGTAAGGTTTTATGTAATATGAATATCATTAGCTATTATGGCTCTGGA[AT>A]TTTTTTTTCCAGGTTTTCAAGATGGCAGCATCTATGCATGGTCAGCCCAGTCCTTCTCTA-3'